The following is an entry in ClinVar:

NM_003680.4(YARS1):c.194_202del (p.Ala65_Cys67del)

Gene: YARS1 (tyrosyl-tRNA synthetase 1; minus strand). Cytogenetic location: 1p35.1.
Variant type: Deletion.
Coding change: c.194_202del on transcript NM_003680.4 (MANE Select); coding-DNA positions 194 to 202, 9 bases deleted (CAGGGTGTG; older notation c.194_202delCAGGGTGTG).
Protein change: p.Ala65_Cys67del.
Molecular consequence: inframe deletion.
Genome position (GRCh38, 1-based): chr1:32,810,913-32,810,921, CACACCCTG deleted on the plus strand (CAGGGTGTG on the coding strand, the reverse complement: YARS1 is on the minus strand); deleting any 9 consecutive bases within chr1:32,810,913-32,810,922 gives the same sequence; the c. name uses the placement nearest the transcript's 3' end. VCF-style (leftmost placement, unchanged base first): chr1-32810912-TCACACCCTG-T. GRCh37 (hg19) VCF-style: chr1-33276513-TCACACCCTG-T.
Identifiers: ClinVar variation 1681535 (VCV001681535.8), dbSNP rs2148616655, ClinGen allele CA2573132259.

ClinVar aggregate classification (germline): Uncertain significance (1 of 4 stars; one submission).

Conditions:
Charcot-Marie-Tooth disease dominant intermediate C (CMTDIC). Also called: CHARCOT-MARIE-TOOTH NEUROPATHY, DOMINANT INTERMEDIATE C. Identifiers: Orphanet 100045, MedGen C1842237, MONDO:0012012, OMIM 608323.

Submission:

Labcorp Genetics (formerly Invitae), Labcorp
Classification: Uncertain significance for Charcot-Marie-Tooth disease dominant intermediate C. Last evaluated: 2021-05-30. Review status: criteria provided, single submitter. Criteria: Invitae Variant Classification Sherloc (09022015). Collection method: clinical testing. Allele origin: germline.
Comment: In summary, the available evidence is currently insufficient to determine the role of this variant in disease. Therefore, it has been classified as a Variant of Uncertain Significance. Experimental studies and prediction algorithms are not available or were not evaluated, and the functional significance of this variant is currently unknown. This variant has been observed in individual(s) with clinical features of Charcot-Marie-Tooth disease (Invitae). This variant is not present in population databases (ExAC no frequency). This variant, c.194_202del, results in the deletion of 3 amino acid(s) of the YARS protein (p.Ala65_Cys67del), but otherwise preserves the integrity of the reading frame.